The following is an entry in ClinVar:

ClinVar aggregate classification (germline): Likely benign (1 of 4 stars; one submission).

Conditions:
Woodhouse-Sakati syndrome. Also called: Hypogonadism, Alopecia, Diabetes Mellitus, Mental Retardation, and Extrapyramidal Syndrome; Hypogonadism, diabetes mellitus, alopecia, mental retardation and electrocardiographic abnormalities; EXTRAPYRAMIDAL DISORDER, PROGRESSIVE, WITH PRIMARY HYPOGONADISM, MENTAL RETARDATION, AND ALOPECIA. Identifiers: Orphanet 3464, MedGen C0342286, MONDO:0009419, OMIM 241080.

Allele frequency attached by ClinVar (database versions not stated): gnomAD 0.00042 and 0.00043; TOPMed 0.00048; gnomAD exomes 0.00072 and 0.00117; ExAC 0.00307.
gnomAD v4.1: 283 of 453,990 alleles (0.062%); highest among the groups gnomAD compares: Non-Finnish European, 0.012%; 1 homozygote.

Submission:

Illumina Laboratory Services, Illumina
Classification: Likely benign for Woodhouse-Sakati syndrome. Last evaluated: 2018-01-12. Review status: criteria provided, single submitter. Criteria: ICSL Variant Classification Criteria 13 December 2019. Collection method: clinical testing. Allele origin: germline.
Comment: This variant was observed in the ICSL laboratory as part of a predisposition screen in an ostensibly healthy population. It had not been previously curated by ICSL or reported in the Human Gene Mutation Database (HGMD: prior to June 1st, 2018), and was therefore a candidate for classification through an automated scoring system. Utilizing variant allele frequency, disease prevalence and penetrance estimates, and inheritance mode, an automated score was calculated to assess if this variant is too frequent to cause the disease. Based on the score and internal cut-off values, a variant classified as likely benign is not then subjected to further curation. The score for this variant resulted in a classification of likely benign for this disease.

NM_025000.4(DCAF17):c.*2591A>G

Gene: DCAF17 (DDB1 and CUL4 associated factor 17; plus strand). Cytogenetic location: 2q31.1.
Variant type: single nucleotide variant.
Coding change: c.*2591A>G on transcript NM_025000.4 (MANE Select); 2591 bases downstream of the stop codon, A replaced by G.
Molecular consequence: 3 prime UTR variant. On other transcripts: non-coding transcript variant (1).
Genome position (GRCh38, 1-based): chr2:171,483,705, A>G. VCF-style: chr2-171483705-A-G. GRCh37 (hg19) VCF-style: chr2-172340215-A-G.
Other names: c.*2591A>G (NM_001164821.2).
Identifiers: ClinVar variation 893119 (VCV000893119.4), dbSNP rs748228250, ClinGen allele CA1965124.